The following is an entry in ClinVar:

NM_001281971.2(KIR2DS4):c.582T>C (p.Leu194=)

Gene: KIR2DS4 (killer cell immunoglobulin like receptor, two Ig domains and short cytoplasmic tail 4 (gene/pseudogene)). Cytogenetic location: 19q13.42.
Variant type: single nucleotide variant.
Coding change: c.582T>C on transcript NM_001281971.2; coding-DNA position 582, T replaced by C.
Protein change: p.Leu194=; no amino-acid change (leucine 194 retained).
Molecular consequence: synonymous variant.
Genome position (GRCh38, 1-based): chr19:54,839,639, T>C. VCF-style: chr19-54839639-T-C. GRCh37 (hg19) VCF-style: chr19-55351094-T-C.
Other names: c.582T>C, p.Leu194= (NM_001281972.2).
Identifiers: ClinVar variation 2650491 (VCV002650491.23), dbSNP rs1601580596, ClinGen allele CA997209330.

ClinVar aggregate classification (germline): Likely benign (1 of 4 stars; one submission).

Submission:

CeGaT Center for Human Genetics Tuebingen
Classification: Likely benign. Last evaluated: 2022-03-01. Review status: criteria provided, single submitter. Criteria: CeGaT Center For Human Genetics Tuebingen Variant Classification Criteria Version 2. Collection method: clinical testing. Allele origin: germline. Affected: yes. Observed: 1 variant allele.
Comment: KIR2DS4: BP4, BP7